The following is an entry in ClinVar:

NM_004991.4(MECOM):c.538G>C (p.Ala180Pro)

Gene: MECOM (MDS1 and EVI1 complex locus; minus strand). Cytogenetic location: 3q26.2.
Variant type: single nucleotide variant.
Coding change: c.538G>C on transcript NM_004991.4 (MANE Select); coding-DNA position 538, G replaced by C.
Protein change: p.Ala180Pro; replaces alanine 180 with proline.
Molecular consequence: missense variant. On other transcripts: 5 prime UTR variant (12).
Genome position (GRCh38, 1-based): chr3:169,131,504, C>G on the plus strand (G>C on the coding strand, the complement: MECOM is on the minus strand). VCF-style: chr3-169131504-C-G. GRCh37 (hg19) VCF-style: chr3-168849292-C-G.
Other names: c.166G>C, p.Ala56Pro (NM_001105077.4); c.-27G>C (NM_001105078.4, NM_001163999.2, NM_001164000.2 and 9 more transcripts); c.538G>C, p.Ala180Pro (NM_001366466.2, NM_001366473.2); short protein forms A180P, A56P.
Identifiers: ClinVar variation 3871732 (VCV003871732.1).
Genomic context (GRCh38, chr3:169,131,504, plus strand): 5'-CCATAGTTTCATGGGGATAGTCTTCGCTCTTCATGAACAGCAGAAGCTCCTCTCCCGGCG[C>G]AATGTCTGCAACTACTCTATAGAATATCTTTAAAGACAAAATAAAGGTGGATGGAATCAG-3'
Protein context (NP_004982.2, residues 170-190): QIFYRVVADI[Ala180Pro]PGEELLLFMK

ClinVar aggregate classification (germline): Uncertain significance (1 of 4 stars; one submission).

Conditions:
Inborn genetic diseases. Identifiers: MedGen C0950123, MeSH D030342.

gnomAD v4.1: 39 of 1,613,504 alleles (0.0024%); highest among the groups gnomAD compares: South Asian, 0.041%; no homozygotes.

Submission:

Ambry Genetics
Classification: Uncertain significance for Inborn genetic diseases. Last evaluated: 2025-01-19. Review status: criteria provided, single submitter. Criteria: Ambry Variant Classification Scheme 2023. Collection method: clinical testing. Allele origin: germline.
Comment: The p.A180P variant (also known as c.538G>C), located in coding exon 4 of the MECOM gene, results from a G to C substitution at nucleotide position 538. The alanine at codon 180 is replaced by proline, an amino acid with highly similar properties. This amino acid position is conserved. In addition, this alteration is predicted to be tolerated by in silico analysis. Based on the available evidence, the clinical significance of this variant remains unclear.